The following is an entry in ClinVar:

ClinVar aggregate classification (germline): Likely benign (1 of 4 stars; one submission).

Submission:

GeneDx
Classification: Likely benign. Last evaluated: 2017-12-15. Review status: criteria provided, single submitter. Criteria: GeneDx Variant Classification (06012015). Collection method: clinical testing. Allele origin: germline. Affected: yes.
Comment: This variant is considered likely benign or benign based on one or more of the following criteria: it is a conservative change, it occurs at a poorly conserved position in the protein, it is predicted to be benign by multiple in silico algorithms, and/or has population frequency not consistent with disease.

NM_032043.3(BRIP1):c.-34A>G

Gene: BRIP1 (BRCA1 interacting helicase 1; minus strand). Cytogenetic location: 17q23.2.
Variant type: single nucleotide variant.
Coding change: c.-34A>G on transcript NM_032043.3 (MANE Select); 34 bases upstream of the start codon, A replaced by G.
Molecular consequence: 5 prime UTR variant.
Genome position (GRCh38, 1-based): chr17:61,863,287, T>C on the plus strand (A>G on the coding strand, the complement: BRIP1 is on the minus strand). VCF-style: chr17-61863287-T-C. GRCh37 (hg19) VCF-style: chr17-59940648-T-C.
Identifiers: ClinVar variation 514170 (VCV000514170.1), dbSNP rs1555618993, ClinGen allele CA658798943.
Genomic context (GRCh38, chr17:61,863,287, plus strand): 5'-GCCCGCAGGCTGTGCAGAAGAACTCAAGCCCTTTCCGTGGACTTCCCTCCGACTTGCCTG[T>C]CTGGAGGGAAACCGAAGCAACGCTCTGAGCTCCGATTCACTGAAGAAAAGGAAAGGAAAC-3'